The following is an entry in ClinVar:

NM_004589.4(SCO1):c.364+111dup

Gene: SCO1 (synthesis of cytochrome C oxidase 1; minus strand). Cytogenetic location: 17p13.1.
Variant type: Duplication.
Coding change: c.364+111dup on transcript NM_004589.4 (MANE Select); 111 bases into the intron after coding-DNA position 364, one base duplicated (A; older notation c.364+111dupA).
Molecular consequence: intron variant.
Genome position (GRCh38, 1-based): chr17:10,695,625, T duplicated on the plus strand (A on the coding strand, the reverse complement: SCO1 is on the minus strand); the first of 6 consecutive T bases (chr17:10,695,625-10,695,630); duplicating any one gives the same sequence. VCF-style (leftmost placement, unchanged base first): chr17-10695624-A-AT. GRCh37 (hg19) VCF-style: chr17-10598941-A-AT.
Identifiers: ClinVar variation 676763 (VCV000676763.1), dbSNP rs3834598, ClinGen allele CA287785766.

ClinVar aggregate classification (germline): Benign (1 of 4 stars; one submission).

Submission:

GeneDx
Classification: Benign. Last evaluated: 2018-06-19. Review status: criteria provided, single submitter. Criteria: GeneDx Variant Classification (06012015). Collection method: clinical testing. Allele origin: germline. Affected: yes.
Comment: This variant is considered likely benign or benign based on one or more of the following criteria: it is a conservative change, it occurs at a poorly conserved position in the protein, it is predicted to be benign by multiple in silico algorithms, and/or has population frequency not consistent with disease.